The following is an entry in ClinVar:

ClinVar aggregate classification (germline): Pathogenic. Review status: criteria provided, single submitter (1 of 4 stars). 2 submissions from 2 submitters: Pathogenic (1). 1 of the submissions does not count toward it. Last evaluated 2026-01-29.

Conditions:
Oculocutaneous albinism type 1A (OCA1A). Also called: Albinism, oculocutaneous, type IA. Identifiers: Orphanet 352731, Orphanet 79431, MedGen C4551504, MONDO:0008745, OMIM 203100. Disease mechanism: loss of function.

Submissions (2):

Institute of Human Genetics, University of Leipzig Medical Center
Classification: Pathogenic for Oculocutaneous albinism type 1A. Last evaluated: 2026-01-29. Review status: criteria provided, single submitter. Criteria: ACMG Guidelines, 2015. Collection method: clinical testing. Allele origin: unknown. Inheritance: Autosomal recessive inheritance. Affected: yes.
Comment: Criteria applied: PVS1,PM2

Retina International
No classification provided. Review status: no classification provided. Collection method: not provided. Allele origin: not provided. Not counted in ClinVar's aggregate classification.

NM_000372.5(TYR):c.458dup (p.Gly154fs)

Gene: TYR (tyrosinase; plus strand). Cytogenetic location: 11q14.3.
Variant type: Duplication.
Coding change: c.458dup on transcript NM_000372.5 (MANE Select); coding-DNA position 458, one base duplicated (T; older notation c.458dupT).
Protein change: p.Gly154fs; shifts the reading frame from glycine 154.
Molecular consequence: frameshift variant.
Genome position (GRCh38, 1-based): chr11:89,178,411, T duplicated. VCF-style (leftmost placement, unchanged base first): chr11-89178410-A-AT. GRCh37 (hg19) VCF-style: chr11-88911578-A-AT.
Other names: short protein forms G154fs.
Identifiers: ClinVar variation 99567 (VCV000099567.2), dbSNP rs61753258, ClinGen allele CA227566.